The following is an entry in ClinVar:

ClinVar aggregate classification (germline): Uncertain significance (1 of 4 stars; one submission).

Submission:

Labcorp Genetics (formerly Invitae), Labcorp
Classification: Uncertain significance. Last evaluated: 2023-06-04. Review status: criteria provided, single submitter. Criteria: Invitae Variant Classification Sherloc (09022015). Collection method: clinical testing. Allele origin: germline.
Comment: In summary, the available evidence is currently insufficient to determine the role of this variant in disease. Therefore, it has been classified as a Variant of Uncertain Significance. This variant is not present in population databases (gnomAD no frequency). This variant has not been reported in the literature in individuals affected with RPS20-related conditions. An algorithm developed to predict the effect of missense changes on protein structure and function (PolyPhen-2) suggests that this variant is likely to be tolerated. This sequence change replaces proline, which is neutral and non-polar, with glutamine, which is neutral and polar, at codon 13 of the RPS20 protein (p.Pro13Gln).

NM_001023.4(RPS20):c.38C>A (p.Pro13Gln)

Gene: RPS20 (ribosomal protein S20; minus strand). Cytogenetic location: 8q12.1.
Variant type: single nucleotide variant.
Coding change: c.38C>A on transcript NM_001023.4 (MANE Select); coding-DNA position 38, C replaced by A.
Protein change: p.Pro13Gln; replaces proline 13 with glutamine.
Molecular consequence: missense variant.
Genome position (GRCh38, 1-based): chr8:56,074,125, G>T on the plus strand (C>A on the coding strand, the complement: RPS20 is on the minus strand). VCF-style: chr8-56074125-G-T. GRCh37 (hg19) VCF-style: chr8-56986684-G-T.
Other names: c.38C>A, p.Pro13Gln (NM_001146227.3); short protein forms P13Q.
Identifiers: ClinVar variation 2873489 (VCV002873489.3), dbSNP rs2486985493, ClinGen allele CA371283991.
Genomic context (GRCh38, chr8:56,074,125, plus strand): 5'-TCCAAGGATTTTACGTTGCGGCTTGTTAGGGTGATTCGAATTCGGTGAATTGCCACCTCC[G>T]GCTCCACGGGTGTTTTTCCGGTATCCTTAAAAGCCTATTATTAGATACATGAAAAAGAAC-3'
Protein context (NP_001014.1, residues 3-23): FKDTGKTPVE[Pro13Gln]EVAIHRIRIT